The following is an entry in ClinVar:

ClinVar aggregate classification (germline): Benign (0 of 4 stars; one submission).

Conditions:
KCNJ12-related disorder. Also called: KCNJ12-related condition.

Allele frequency attached by ClinVar (database versions not stated): 1000 Genomes Project 0.00040; 1000 Genomes Project 30x 0.44597.

Submission:

PreventionGenetics, part of Exact Sciences
Classification: Benign for KCNJ12-related condition. Last evaluated: 2019-10-17. Review status: no assertion criteria provided. Collection method: clinical testing. Allele origin: germline.
Comment: This variant is classified as benign based on ACMG/AMP sequence variant interpretation guidelines (Richards et al. 2015 PMID: 25741868, with internal and published modifications).

NM_021012.5(KCNJ12):c.597C>T (p.Asn199=)

Gene: KCNJ12 (potassium inwardly rectifying channel subfamily J member 12; plus strand). Cytogenetic location: 17p11.2.
Variant type: single nucleotide variant.
Coding change: c.597C>T on transcript NM_021012.5 (MANE Select); coding-DNA position 597, C replaced by T.
Protein change: p.Asn199=; no amino-acid change (asparagine 199 retained).
Molecular consequence: synonymous variant.
Genome position (GRCh38, 1-based): chr17:21,415,939, C>T. VCF-style: chr17-21415939-C-T. GRCh37 (hg19) VCF-style: chr17-21319251-C-T.
Identifiers: ClinVar variation 3060600 (VCV003060600.2), dbSNP rs73313923, ClinGen allele CA8451187.